The following is an entry in ClinVar:

NM_014754.3(PTDSS1):c.1279G>T (p.Glu427Ter)

Gene: PTDSS1 (phosphatidylserine synthase 1; plus strand). Cytogenetic location: 8q22.1.
Variant type: single nucleotide variant.
Coding change: c.1279G>T on transcript NM_014754.3 (MANE Select); coding-DNA position 1279, G replaced by T.
Protein change: p.Glu427Ter; replaces glutamic acid 427 with a stop codon.
Molecular consequence: nonsense.
Genome position (GRCh38, 1-based): chr8:96,331,062, G>T. VCF-style: chr8-96331062-G-T. GRCh37 (hg19) VCF-style: chr8-97343290-G-T.
Other names: c.841G>T, p.Glu281Ter (NM_001290225.2); short protein forms E281*, E427*.
Identifiers: ClinVar variation 2632488 (VCV002632488.1), dbSNP rs2488208609, ClinGen allele CA371758549.

ClinVar aggregate classification (germline): Uncertain significance (1 of 4 stars; one submission).

Conditions:
PTDSS1-related disorder. Also called: PTDSS1-related condition.

Submission:

PreventionGenetics, part of Exact Sciences
Classification: Uncertain significance for PTDSS1-related condition. Last evaluated: 2023-05-22. Review status: criteria provided, single submitter. Criteria: ACMG Guidelines, 2015. Collection method: clinical testing. Allele origin: germline.
Comment: The PTDSS1 c.1279G>T variant is predicted to result in premature protein termination (p.Glu427*). To our knowledge, this variant has not been reported in the literature or in a large population database, indicating this variant is rare. This variant is interpreted as no interpretation set.